The following is an entry in ClinVar:

NM_004380.3(CREBBP):c.3375T>G (p.Tyr1125Ter)

Gene: CREBBP (CREB binding lysine acetyltransferase; minus strand). Cytogenetic location: 16p13.3.
Variant type: single nucleotide variant.
Coding change: c.3375T>G on transcript NM_004380.3 (MANE Select); coding-DNA position 3375, T replaced by G.
Protein change: p.Tyr1125Ter; replaces tyrosine 1125 with a stop codon.
Molecular consequence: nonsense.
Genome position (GRCh38, 1-based): chr16:3,758,043, A>C on the plus strand (T>G on the coding strand, the complement: CREBBP is on the minus strand). VCF-style: chr16-3758043-A-C. GRCh37 (hg19) VCF-style: chr16-3808044-A-C.
Other names: c.3261T>G, p.Tyr1087Ter (NM_001079846.1); short protein forms Y1087*, Y1125*.
Identifiers: ClinVar variation 2028348 (VCV002028348.4), dbSNP rs2151384150, ClinGen allele CA394569189.

ClinVar aggregate classification (germline): Pathogenic (1 of 4 stars; one submission).

Conditions:
Rubinstein-Taybi syndrome (RSTS). Identifiers: Orphanet 783, MedGen C0035934, MONDO:0019188.

Submission:

Labcorp Genetics (formerly Invitae), Labcorp
Classification: Pathogenic for Rubinstein-Taybi syndrome. Last evaluated: 2022-09-01. Review status: criteria provided, single submitter. Criteria: Invitae Variant Classification Sherloc (09022015). Collection method: clinical testing. Allele origin: germline.
Comment: For these reasons, this variant has been classified as Pathogenic. Algorithms developed to predict the effect of sequence changes on RNA splicing suggest that this variant may create or strengthen a splice site. This variant has not been reported in the literature in individuals affected with CREBBP-related conditions. This variant is not present in population databases (gnomAD no frequency). This sequence change creates a premature translational stop signal (p.Tyr1125*) in the CREBBP gene. It is expected to result in an absent or disrupted protein product. Loss-of-function variants in CREBBP are known to be pathogenic (PMID: 17052327, 18792986).

Literature cited by the submitters: PubMed 17052327; PubMed 18792986.